The following is an entry in ClinVar:

NM_024996.7(GFM1):c.1874_1875del (p.Ser625fs)

Gene: GFM1 (G elongation factor mitochondrial 1; plus strand). Cytogenetic location: 3q25.32.
Variant type: Microsatellite.
Coding change: c.1874_1875del on transcript NM_024996.7 (MANE Select); coding-DNA positions 1874 to 1875, 2 bases deleted (CT; older notation c.1874_1875delCT).
Protein change: p.Ser625fs; shifts the reading frame from serine 625.
Molecular consequence: frameshift variant. On other transcripts: non-coding transcript variant (2).
Genome position (GRCh38, 1-based): chr3:158,684,633-158,684,634, CT deleted; deleting any 2 consecutive bases within chr3:158,684,630-158,684,634 gives the same sequence; the c. name uses the placement nearest the transcript's 3' end. VCF-style (leftmost placement, unchanged base first): chr3-158684629-ATC-A. GRCh37 (hg19) VCF-style: chr3-158402418-ATC-A.
Other names: c.1931_1932del, p.Ser644fs (NM_001308164.2); c.1793_1794del, p.Ser598fs (NM_001374355.1); c.1757_1758del, p.Ser586fs (NM_001374356.1); c.1649_1650del, p.Ser550fs (NM_001374357.1); c.1415_1416del, p.Ser472fs (NM_001374358.1); c.1307_1308del, p.Ser436fs (NM_001374359.1, NM_001374360.1); c.1190_1191del, p.Ser397fs (NM_001374361.1); short protein forms S598fs, S625fs, S644fs, S586fs, S397fs, S472fs, S436fs, S550fs.
Identifiers: ClinVar variation 1379201 (VCV001379201.6), dbSNP rs1725679096, ClinGen allele CA1414377910.

ClinVar aggregate classification (germline): Pathogenic (1 of 4 stars; one submission).

Submission:

Labcorp Genetics (formerly Invitae), Labcorp
Classification: Pathogenic. Last evaluated: 2021-01-13. Review status: criteria provided, single submitter. Criteria: Invitae Variant Classification Sherloc (09022015). Collection method: clinical testing. Allele origin: germline.
Comment: For these reasons, this variant has been classified as Pathogenic. This variant has not been reported in the literature in individuals with GFM1-related conditions. This variant is not present in population databases (ExAC no frequency). This sequence change creates a premature translational stop signal (p.Ser625Phefs*10) in the GFM1 gene. It is expected to result in an absent or disrupted protein product. Loss-of-function variants in GFM1 are known to be pathogenic (PMID: 16632485, 17160893).

Literature cited by the submitters: PubMed 16632485; PubMed 17160893.